The following is an entry in ClinVar:

ClinVar aggregate classification (germline): Uncertain significance (1 of 4 stars; one submission).

Submission:

GeneDx
Classification: Uncertain significance. Last evaluated: 2026-03-16. Review status: criteria provided, single submitter. Criteria: GeneDx Variant Classification Process June 2021. Collection method: clinical testing. Allele origin: germline.
Comment: Has not been previously published as pathogenic or benign to our knowledge; No data available from ethnically-matched control populations to assess the frequency of this variant; In silico analysis does not support a benign or deleterious effect of this variant on protein structure/function

NM_001287491.2(TET3):c.202A>G (p.Asn68Asp)

Gene: TET3 (tet methylcytosine dioxygenase 3; plus strand). Cytogenetic location: 2p13.1.
Variant type: single nucleotide variant.
Coding change: c.202A>G on transcript NM_001287491.2 (MANE Select); coding-DNA position 202, A replaced by G.
Protein change: p.Asn68Asp; replaces asparagine 68 with aspartic acid.
Molecular consequence: missense variant.
Genome position (GRCh38, 1-based): chr2:73,986,605, A>G. VCF-style: chr2-73986605-A-G. GRCh37 (hg19) VCF-style: chr2-74213732-A-G.
Other names: short protein forms N68D.
Identifiers: ClinVar variation 5009176 (VCV005009176.1).